The following is an entry in ClinVar:

NM_000138.5(FBN1):c.4345_4346insCACT (p.Glu1449fs)

Gene: FBN1 (fibrillin 1; minus strand). Cytogenetic location: 15q21.1.
Variant type: Insertion.
Coding change: c.4345_4346insCACT on transcript NM_000138.5 (MANE Select); coding-DNA positions 4345 to 4346, CACT inserted.
Protein change: p.Glu1449fs; shifts the reading frame from glutamic acid 1449.
Molecular consequence: frameshift variant.
Genome position: GRCh38 VCF-style: chr15-48470747-T-TAGTG. GRCh37 (hg19) VCF-style: chr15-48762944-T-TAGTG.
Other names: short protein forms E1449fs.
Identifiers: ClinVar variation 933383 (VCV000933383.7), dbSNP rs2043366702, ClinGen allele CA1139663950.

ClinVar aggregate classification (germline): Pathogenic (1 of 4 stars; one submission).

Conditions:
Familial thoracic aortic aneurysm and aortic dissection (TAAD). Also called: Thoracic aortic aneurysms and dissections. Identifiers: Orphanet 91387, MedGen C4707243, MONDO:0019625.
Marfan syndrome (MFS). Also called: Marfan syndrome, classic; Marfan syndrome type 1; Marfan's syndrome; FBN1-Related Marfan Syndrome; MARFAN SYNDROME, TYPE I. Identifiers: Orphanet 284963, Orphanet 558, MedGen C0024796, MONDO:0007947, OMIM 154700.

Submission:

Labcorp Genetics (formerly Invitae), Labcorp
Classification: Pathogenic for Marfan syndrome; Familial thoracic aortic aneurysm and aortic dissection. Last evaluated: 2019-09-28. Review status: criteria provided, single submitter. Criteria: Invitae Variant Classification Sherloc (09022015). Collection method: clinical testing. Allele origin: germline.
Comment: For these reasons, this variant has been classified as Pathogenic. Loss-of-function variants in FBN1 are known to be pathogenic (PMID: 17657824, 19293843). This variant has not been reported in the literature in individuals with FBN1-related conditions. This variant is not present in population databases (ExAC no frequency). This sequence change creates a premature translational stop signal (p.Glu1449Alafs*24) in the FBN1 gene. It is expected to result in an absent or disrupted protein product.

Literature cited by the submitters: PubMed 17657824; PubMed 19293843.